The following is an entry in ClinVar:

NM_000503.6(EYA1):c.896C>A (p.Ser299Ter)

Gene: EYA1 (EYA transcriptional coactivator and phosphatase 1; minus strand). Cytogenetic location: 8q13.3.
Variant type: single nucleotide variant.
Coding change: c.896C>A on transcript NM_000503.6 (MANE Select); coding-DNA position 896, C replaced by A.
Protein change: p.Ser299Ter; replaces serine 299 with a stop codon.
Molecular consequence: nonsense.
Genome position (GRCh38, 1-based): chr8:71,271,828, G>T on the plus strand (C>A on the coding strand, the complement: EYA1 is on the minus strand). VCF-style: chr8-71271828-G-T. GRCh37 (hg19) VCF-style: chr8-72184063-G-T.
Other names: c.878C>A, p.Ser293Ter (NM_001288574.2); c.530C>A, p.Ser177Ter (NM_001288575.2); c.983C>A, p.Ser328Ter (NM_001370333.1); c.896C>A, p.Ser299Ter (NM_001370334.1, NM_001370335.1, NM_172058.4); c.965C>A, p.Ser322Ter (NM_001370336.1); c.968C>A, p.Ser323Ter (NM_172059.5); short protein forms S299*, S177*, S293*, S328*, S322*, S323*.
Identifiers: ClinVar variation 228347 (VCV000228347.4), dbSNP rs876657691, ClinGen allele CA10576736.

ClinVar aggregate classification (germline): Pathogenic (1 of 4 stars; one submission).

Conditions:
Rare genetic deafness. Identifiers: Orphanet 96210, MedGen C5680250.

Submission:

Laboratory for Molecular Medicine, Mass General Brigham Personalized Medicine
Classification: Pathogenic for Rare genetic deafness. Last evaluated: 2015-11-05. Review status: criteria provided, single submitter. Criteria: LMM Criteria. Collection method: clinical testing. Allele origin: germline. Inheritance: Autosomal dominant inheritance. Observed: 1 variant allele.
Comment: The p.Ser299X variant in EYA1 has not been previously reported in individuals wi th Branchio-oto-renal syndrome or in large population studies. This nonsense var iant leads to a premature termination codon at position 299, which is predicted to lead to a truncated or absent protein. Heterozygous loss of function of the E YA1 gene is an established disease mechanism in Branchio-oto-renal syndrome. In summary, this variant meets our criteria to be classified as pathogenic for Bran chio-oto-renal syndrome in an autosomal dominant manner based on the predicted i mpact to the protein.